The following is an entry in ClinVar:

NM_001220.5(CAMK2B):c.1265G>T (p.Gly422Val)

Gene: CAMK2B (calcium/calmodulin dependent protein kinase II beta; minus strand). Cytogenetic location: 7p13.
Variant type: single nucleotide variant.
Coding change: c.1265G>T on transcript NM_001220.5 (MANE Select); coding-DNA position 1265, G replaced by T.
Protein change: p.Gly422Val; replaces glycine 422 with valine.
Molecular consequence: missense variant. On other transcripts: intron variant (8).
Genome position (GRCh38, 1-based): chr7:44,229,462, C>A on the plus strand (G>T on the coding strand, the complement: CAMK2B is on the minus strand). VCF-style: chr7-44229462-C-A. GRCh37 (hg19) VCF-style: chr7-44269061-C-A.
Other names: c.947-8561G>T (NM_172084.3); c.1150+1544G>T (NM_172080.3); c.1036+1544G>T (NM_172083.3); c.1108+1544G>T (NM_172081.3); c.1153+1544G>T (NM_172079.3, NM_172082.3); c.1225+1544G>T (NM_001293170.2, NM_172078.3); short protein forms G422V.
Identifiers: ClinVar variation 3618186 (VCV003618186.2).

ClinVar aggregate classification (germline): Uncertain significance (1 of 4 stars; one submission).

gnomAD v4.1: 7 of 1,478,446 alleles (0.00047%); highest among the groups gnomAD compares: Middle Eastern, 0.018%; no homozygotes.

Submission:

Labcorp Genetics (formerly Invitae), Labcorp
Classification: Uncertain significance. Last evaluated: 2025-06-12. Review status: criteria provided, single submitter. Criteria: Invitae Variant Classification Sherloc (09022015). Collection method: clinical testing. Allele origin: germline.
Comment: This sequence change replaces glycine, which is neutral and non-polar, with valine, which is neutral and non-polar, at codon 422 of the CAMK2B protein (p.Gly422Val). This variant is not present in population databases (gnomAD no frequency). This variant has not been reported in the literature in individuals affected with CAMK2B-related conditions. ClinVar contains an entry for this variant (Variation ID: 3618186). An algorithm developed to predict the effect of missense changes on protein structure and function (PolyPhen-2) suggests that this variant is likely to be disruptive. In summary, the available evidence is currently insufficient to determine the role of this variant in disease. Therefore, it has been classified as a Variant of Uncertain Significance.